The following is an entry in ClinVar:

NM_030662.4(MAP2K2):c.370G>A (p.Glu124Lys)

Gene: MAP2K2 (mitogen-activated protein kinase kinase 2; minus strand). Cytogenetic location: 19p13.3.
Variant type: single nucleotide variant.
Coding change: c.370G>A on transcript NM_030662.4 (MANE Select); coding-DNA position 370, G replaced by A.
Protein change: p.Glu124Lys; replaces glutamic acid 124 with lysine.
Molecular consequence: missense variant.
Genome position (GRCh38, 1-based): chr19:4,110,589, C>T on the plus strand (G>A on the coding strand, the complement: MAP2K2 is on the minus strand). VCF-style: chr19-4110589-C-T. GRCh37 (hg19) VCF-style: chr19-4110587-C-T.
Other names: short protein forms E124K.
Identifiers: ClinVar variation 1392557 (VCV001392557.8), dbSNP rs1037950431, ClinGen allele CA304453891.

ClinVar aggregate classification (germline): Uncertain significance (1 of 4 stars; one submission).

Conditions:
RASopathy. Also called: rasopathies; Noonan spectrum disorder. Identifiers: Orphanet 536391, MedGen C5555857, MONDO:0021060.

Allele frequency attached by ClinVar (database versions not stated): TOPMed 0.00002; gnomAD 0.00001 and 0.00003; gnomAD exomes 0.00001.
gnomAD v4.1: 25 of 1,613,908 alleles (0.0015%); highest among the groups gnomAD compares: Non-Finnish European, 0.002%; no homozygotes.

Submission:

Labcorp Genetics (formerly Invitae), Labcorp
Classification: Uncertain significance for RASopathy. Last evaluated: 2026-01-28. Review status: criteria provided, single submitter. Criteria: Invitae Variant Classification Sherloc (09022015). Collection method: clinical testing. Allele origin: germline.
Comment: This sequence change replaces glutamic acid, which is acidic and polar, with lysine, which is basic and polar, at codon 124 of the MAP2K2 protein (p.Glu124Lys). This variant is present in population databases (no rsID available, gnomAD 0.01%). This variant has not been reported in the literature in individuals affected with MAP2K2-related conditions. ClinVar contains an entry for this variant (Variation ID: 1392557). Invitae Evidence Modeling incorporating data from in vitro experimental studies (internal data) indicates that this missense variant is not expected to disrupt MAP2K2 function with a negative predictive value of 95%. In summary, the available evidence is currently insufficient to determine the role of this variant in disease. Therefore, it has been classified as a Variant of Uncertain Significance.